The following is an entry in ClinVar:

NM_006005.3(WFS1):c.418G>A (p.Glu140Lys)

Gene: WFS1 (wolframin ER transmembrane glycoprotein; plus strand). Cytogenetic location: 4p16.1.
Variant type: single nucleotide variant.
Coding change: c.418G>A on transcript NM_006005.3 (MANE Select); coding-DNA position 418, G replaced by A.
Protein change: p.Glu140Lys; replaces glutamic acid 140 with lysine.
Molecular consequence: missense variant.
Genome position (GRCh38, 1-based): chr4:6,289,089, G>A. VCF-style: chr4-6289089-G-A. GRCh37 (hg19) VCF-style: chr4-6290816-G-A.
Other names: c.418G>A, p.Glu140Lys (NM_001145853.1); short protein forms E140K.
Identifiers: ClinVar variation 1299985 (VCV001299985.8), dbSNP rs948101237, ClinGen allele CA91794313.

ClinVar aggregate classification (germline): Uncertain significance. Review status: criteria provided, multiple submitters, no conflicts (2 of 4 stars). 4 submissions from 4 submitters: Uncertain significance (2). 2 of the submissions do not count toward it. Last evaluated 2024-10-07.

Allele frequency attached by ClinVar (database versions not stated): gnomAD exomes 0.00001; TOPMed 0.00002; gnomAD 0.00003 and 0.00004.

Submissions (4):

GeneDx
Classification: Uncertain significance. Last evaluated: 2024-10-07. Review status: criteria provided, single submitter. Criteria: GeneDx Variant Classification Process June 2021. Collection method: clinical testing. Allele origin: germline. Affected: yes.
Comment: In silico analysis indicates that this missense variant does not alter protein structure/function; Has not been previously published as pathogenic or benign to our knowledge

Labcorp Genetics (formerly Invitae), Labcorp
Classification: Uncertain significance. Last evaluated: 2022-07-12. Review status: criteria provided, single submitter. Criteria: Invitae Variant Classification Sherloc (09022015). Collection method: clinical testing. Allele origin: germline.
Comment: In summary, the available evidence is currently insufficient to determine the role of this variant in disease. Therefore, it has been classified as a Variant of Uncertain Significance. Algorithms developed to predict the effect of missense changes on protein structure and function are either unavailable or do not agree on the potential impact of this missense change (SIFT: "Tolerated"; PolyPhen-2: "Possibly Damaging"; Align-GVGD: "Class C0"). ClinVar contains an entry for this variant (Variation ID: 1299985). This variant has not been reported in the literature in individuals affected with WFS1-related conditions. The frequency data for this variant in the population databases is considered unreliable, as metrics indicate poor data quality at this position in the gnomAD database. This sequence change replaces glutamic acid, which is acidic and polar, with lysine, which is basic and polar, at codon 140 of the WFS1 protein (p.Glu140Lys).

Joint Genome Diagnostic Labs from Nijmegen and Maastricht, Radboudumc and MUMC+
Classification: Uncertain significance. Review status: no assertion criteria provided. Collection method: clinical testing. Allele origin: germline. Affected: yes. Study: VKGL Data-share Consensus. Not counted in ClinVar's aggregate classification.

Laboratory of Diagnostic Genome Analysis, Leiden University Medical Center (LUMC)
Classification: Uncertain significance. Review status: no assertion criteria provided. Collection method: clinical testing. Allele origin: germline. Affected: yes. Study: VKGL Data-share Consensus. Not counted in ClinVar's aggregate classification.